The following is an entry in ClinVar:

ClinVar aggregate classification (germline): Likely pathogenic (1 of 4 stars; one submission).

Conditions:
Congenital myasthenic syndrome (CMS). Also called: Congenital Myasthenic Syndromes. Identifiers: Orphanet 590, MedGen C0751882, MeSH D020294, MONDO:0018940.

Submission:

Women's Health and Genetics/Laboratory Corporation of America, LabCorp
Classification: Likely pathogenic for Congenital myasthenic syndrome. Last evaluated: 2022-12-16. Review status: criteria provided, single submitter. Criteria: LabCorp Variant Classification Summary - May 2015. Collection method: clinical testing. Allele origin: germline.
Comment: Variant summary: DOK7 c.1370_1446del77 (p.Glu457GlyfsX36) causes a frameshift in exon 7 (i.e. in the last exon of the encoded protein sequence) and results in a premature termination codon. This variant is not predicted to cause nonsense mediated decay, but is expected to disrupt the last part of the 504 amino acid long protein, replacing it with a shorter, incorrect sequence. The variant was absent in 211364 control chromosomes (gnomAD). To our knowledge, no occurrence of c.1370_1446del77 in individuals affected with Congenital Myasthenic Syndrome and no experimental evidence demonstrating its impact on protein function have been reported. However, frameshift variants downstream from this variant (i.e. Glu457) have been reported in individuals affected with Congenital Myasthenic Syndrome (HGMD). No clinical diagnostic laboratories have submitted clinical-significance assessments for this variant to ClinVar after 2014. Based on the evidence outlined above, the variant was classified as likely pathogenic.

NM_173660.5(DOK7):c.1370_1446del (p.Glu457fs)

Gene: DOK7 (docking protein 7; plus strand). Cytogenetic location: 4p16.3.
Variant type: Deletion.
Coding change: c.1370_1446del on transcript NM_173660.5 (MANE Select); coding-DNA positions 1370 to 1446, 77 bases deleted.
Protein change: p.Glu457fs; shifts the reading frame from glutamic acid 457.
Molecular consequence: frameshift variant. On other transcripts: 3 prime UTR variant (1).
Genome position (GRCh38, 1-based): chr4:3,493,356-3,493,432, 77 bases deleted. GRCh37 (hg19): chr4:3,495,083-3,495,159.
Other names: c.*591_*667del (NM_001164673.2); c.440_516del, p.Glu147fs (NM_001256896.2); c.1370_1446del, p.Glu457fs (NM_001301071.2); c.938_1014del, p.Glu313fs (NM_001363811.2); short protein forms E147fs, E457fs, E313fs.
Identifiers: ClinVar variation 1878331 (VCV001878331.1), dbSNP rs2475116680, ClinGen allele CA2580070728.